The following is an entry in ClinVar:

ClinVar aggregate classification (germline): Uncertain significance. Review status: criteria provided, multiple submitters, no conflicts (2 of 4 stars). 2 submissions from 2 submitters: Uncertain significance (2). Last evaluated 2025-07-03.

Conditions:
Inborn genetic diseases. Identifiers: MedGen C0950123, MeSH D030342.
Baller-Gerold syndrome (BGS). Also called: CRANIOSYNOSTOSIS WITH RADIAL DEFECTS. Identifiers: Orphanet 1225, MedGen C0265308, MONDO:0009039, OMIM 218600.

Submissions (2):

Ambry Genetics
Classification: Uncertain significance for Inborn genetic diseases. Last evaluated: 2025-07-03. Review status: criteria provided, single submitter. Criteria: Ambry Variant Classification Scheme 2023. Collection method: clinical testing. Allele origin: germline.
Comment: The p.V428I variant (also known as c.1282G>A), located in coding exon 7 of the RECQL4 gene, results from a G to A substitution at nucleotide position 1282. The valine at codon 428 is replaced by isoleucine, an amino acid with highly similar properties. This amino acid position is conserved. In addition, this alteration is predicted to be tolerated by in silico analysis. Based on the available evidence, the clinical significance of this variant remains unclear.

Labcorp Genetics (formerly Invitae), Labcorp
Classification: Uncertain significance for Baller-Gerold syndrome. Last evaluated: 2025-03-19. Review status: criteria provided, single submitter. Criteria: Invitae Variant Classification Sherloc (09022015). Collection method: clinical testing. Allele origin: germline.
Comment: This sequence change replaces valine, which is neutral and non-polar, with isoleucine, which is neutral and non-polar, at codon 428 of the RECQL4 protein (p.Val428Ile). This variant is not present in population databases (gnomAD no frequency). This variant has not been reported in the literature in individuals affected with RECQL4-related conditions. Experimental studies and prediction algorithms are not available or were not evaluated, and the functional significance of this variant is currently unknown. In summary, the available evidence is currently insufficient to determine the role of this variant in disease. Therefore, it has been classified as a Variant of Uncertain Significance.

NM_004260.4(RECQL4):c.1282G>A (p.Val428Ile)

Gene: RECQL4 (RecQ like helicase 4; minus strand). Cytogenetic location: 8q24.3.
Variant type: single nucleotide variant.
Coding change: c.1282G>A on transcript NM_004260.4 (MANE Select); coding-DNA position 1282, G replaced by A.
Protein change: p.Val428Ile; replaces valine 428 with isoleucine.
Molecular consequence: missense variant. On other transcripts: non-coding transcript variant (3), 5 prime UTR variant (1).
Genome position (GRCh38, 1-based): chr8:144,515,434, C>T on the plus strand (G>A on the coding strand, the complement: RECQL4 is on the minus strand). VCF-style: chr8-144515434-C-T. GRCh37 (hg19) VCF-style: chr8-145740818-C-T.
Other names: c.1186G>A, p.Val396Ile (NM_001413017.1, NM_001413020.1); c.1282G>A, p.Val428Ile (NM_001413018.1, NM_001413019.1, NM_001413033.1 and 2 more transcripts); c.211G>A, p.Val71Ile (NM_001413021.1, NM_001413022.1, NM_001413023.1 and 8 more transcripts); c.1153G>A, p.Val385Ile (NM_001413025.1); c.145G>A, p.Val49Ile (NM_001413027.1, NM_001413030.1, NM_001413031.1 and 2 more transcripts); c.931G>A, p.Val311Ile (NM_001413029.1); c.-186G>A (NM_001413043.1); short protein forms V311I, V396I, V49I, V71I, V385I, V428I.
Identifiers: ClinVar variation 4152369 (VCV004152369.2).
Genomic context (GRCh38, chr8:144,515,434, plus strand): 5'-GGTCCAGGCTGGGCACCTCAGGTACAGGTTGTGGTGAAGGAACCAGTGGCTCAGGCCCAA[C>T]AGCATCTGTGTCTTCCTCACTTGCTGGGGCAGGCAGGAGAGGGTAGAATGGGAGCTCCAG-3'
Protein context (NP_004251.4, residues 418-438): RPASEEDTDA[Val428Ile]GPEPLVPSPQ